The following is an entry in ClinVar:

ClinVar aggregate classification (germline): Uncertain significance (1 of 4 stars; one submission).

Conditions:
Long QT syndrome (LQTS). Identifiers: MedGen C0023976, MeSH D008133, MONDO:0002442. Disease mechanism: loss of function. Inheritance: Various modes of inheritance.

Submission:

Labcorp Genetics (formerly Invitae), Labcorp
Classification: Uncertain significance for Long QT syndrome. Last evaluated: 2024-01-03. Review status: criteria provided, single submitter. Criteria: Invitae Variant Classification Sherloc (09022015). Collection method: clinical testing. Allele origin: germline.
Comment: This sequence change replaces threonine, which is neutral and polar, with alanine, which is neutral and non-polar, at codon 74 of the KCNH2 protein (p.Thr74Ala). This variant is not present in population databases (gnomAD no frequency). This missense change has been observed in individual(s) with clinical features of long QT syndrome (Invitae). ClinVar contains an entry for this variant (Variation ID: 1040732). An algorithm developed to predict the effect of missense changes on protein structure and function (PolyPhen-2) suggests that this variant is likely to be tolerated. Experimental studies have shown that this missense change affects KCNH2 function (PMID: 35688147, 35688148). In summary, the available evidence is currently insufficient to determine the role of this variant in disease. Therefore, it has been classified as a Variant of Uncertain Significance.

Literature cited by the submitters: PubMed 35688147; PubMed 35688148.

NM_000238.4(KCNH2):c.220A>G (p.Thr74Ala)

Gene: KCNH2 (potassium voltage-gated channel subfamily H member 2; minus strand). Cytogenetic location: 7q36.1.
Variant type: single nucleotide variant.
Coding change: c.220A>G on transcript NM_000238.4 (MANE Select); coding-DNA position 220, A replaced by G.
Protein change: p.Thr74Ala; replaces threonine 74 with alanine.
Molecular consequence: missense variant.
Genome position (GRCh38, 1-based): chr7:150,974,798, T>C on the plus strand (A>G on the coding strand, the complement: KCNH2 is on the minus strand). VCF-style: chr7-150974798-T-C. GRCh37 (hg19) VCF-style: chr7-150671886-T-C.
Other names: c.43A>G, p.Thr15Ala (NM_001406755.1); c.220A>G, p.Thr74Ala (NM_172056.3); short protein forms T74A, T15A.
Identifiers: ClinVar variation 1040732 (VCV001040732.10), dbSNP rs199473666, ClinGen allele CA369865572.